The following is an entry in ClinVar:

NM_001852.4(COL9A2):c.1567C>A (p.Gln523Lys)

Gene: COL9A2 (collagen type IX alpha 2 chain; minus strand). Cytogenetic location: 1p34.2.
Variant type: single nucleotide variant.
Coding change: c.1567C>A on transcript NM_001852.4 (MANE Select); coding-DNA position 1567, C replaced by A.
Protein change: p.Gln523Lys; replaces glutamine 523 with lysine.
Molecular consequence: missense variant.
Genome position (GRCh38, 1-based): chr1:40,303,167, G>T on the plus strand (C>A on the coding strand, the complement: COL9A2 is on the minus strand). VCF-style: chr1-40303167-G-T. GRCh37 (hg19) VCF-style: chr1-40768839-G-T.
Other names: short protein forms Q523K.
Identifiers: ClinVar variation 4707414 (VCV004707414.1).

ClinVar aggregate classification (germline): Uncertain significance (1 of 4 stars; one submission).

gnomAD v4.1: 3 of 1,612,392 alleles (0.00019%); highest among the groups gnomAD compares: Admixed American, 0.005%; no homozygotes.

Submission:

Labcorp Genetics (formerly Invitae), Labcorp
Classification: Uncertain significance. Last evaluated: 2025-07-03. Review status: criteria provided, single submitter. Criteria: Invitae Variant Classification Sherloc (09022015). Collection method: clinical testing. Allele origin: germline.
Comment: This sequence change replaces glutamine, which is neutral and polar, with lysine, which is basic and polar, at codon 523 of the COL9A2 protein (p.Gln523Lys). This variant is present in population databases (rs762429171, gnomAD 0.009%). This variant has not been reported in the literature in individuals affected with COL9A2-related conditions. Invitae Evidence Modeling of protein sequence and biophysical properties (such as structural, functional, and spatial information, amino acid conservation, physicochemical variation, residue mobility, and thermodynamic stability) indicates that this missense variant is not expected to disrupt COL9A2 protein function with a negative predictive value of 95%. In summary, the available evidence is currently insufficient to determine the role of this variant in disease. Therefore, it has been classified as a Variant of Uncertain Significance.